The following is an entry in ClinVar:

NM_024675.4(PALB2):c.2470dup (p.Cys824fs)

Gene: PALB2 (partner and localizer of BRCA2; minus strand). Cytogenetic location: 16p12.2.
Variant type: Duplication.
Coding change: c.2470dup on transcript NM_024675.4 (MANE Select); coding-DNA position 2470, one base duplicated (T; older notation c.2470dupT).
Protein change: p.Cys824fs; shifts the reading frame from cysteine 824.
Molecular consequence: frameshift variant.
Genome position (GRCh38, 1-based): chr16:23,629,684, A duplicated on the plus strand (T on the coding strand, the reverse complement: PALB2 is on the minus strand). VCF-style (leftmost placement, unchanged base first): chr16-23629683-C-CA. GRCh37 (hg19) VCF-style: chr16-23641004-C-CA.
Other names: c.2470dupT (NM_024675.3); short protein forms C824fs.
Identifiers: ClinVar variation 216121 (VCV000216121.44), dbSNP rs863224521, ClinGen allele CA338358.

ClinVar aggregate classification (germline): Pathogenic. Review status: criteria provided, multiple submitters, no conflicts (2 of 4 stars). 14 submissions from 14 submitters: Pathogenic (13). 1 of the submissions does not count toward it. Last evaluated 2025-09-11.

Conditions:
Inherited breast cancer and ovarian cancer.
PALB2-related cancer predisposition. Identifiers: MedGen CN377761, MONDO:0700272.
Malignant tumor of breast. Also called: Malignant breast neoplasm; Cancer breast. Identifiers: MedGen C0006142, MONDO:0007254. Disease mechanism: loss of function.
Hereditary cancer-predisposing syndrome. Also called: Tumor predisposition; Neoplastic Syndromes, Hereditary; Hereditary Cancer Syndrome; Hereditary neoplastic syndrome. Identifiers: Orphanet 140162, MedGen C0027672, MeSH D009386, MONDO:0015356.
Breast-ovarian cancer, familial, susceptibility to, 1 (BROVCA1). Also called: OVARIAN CANCER, SUSCEPTIBILITY TO; BRCA1 Hereditary Breast and Ovarian Cancer. Identifiers: Orphanet 145, MedGen C2676676, MONDO:0011450, OMIM 604370. Disease mechanism: loss of function.
Familial cancer of breast. Also called: BREAST CANCER, FAMILIAL; hereditary breast carcinoma; Hereditary breast cancer. Identifiers: Orphanet 227535, MedGen C0346153, MONDO:0016419, OMIM 114480. Disease mechanism: loss of function.

Allele frequency attached by ClinVar (database versions not stated): gnomAD exomes below 0.00001.

Submissions (14):

Genetics Laboratory, Great Ormond Street Hospital NHS Foundation Trust, North Thames Genomic Laboratory Hub
Classification: Pathogenic for Inherited breast cancer and ovarian cancer. Last evaluated: 2025-09-11. Review status: criteria provided, single submitter. Criteria: CanVIG PALB2 Gene Specific V1.2. Collection method: clinical testing. Allele origin: germline. Affected: yes.
Comment: PS4_supporting, PM2_supporting, PVS1_very-strong, PM5_supporting

Institute for Genomic Medicine (IGM) Clinical Laboratory, Nationwide Children's Hospital
Classification: Pathogenic for PALB2-related cancer predisposition. Last evaluated: 2025-05-05. Review status: criteria provided, single submitter. Criteria: ACMG Guidelines, 2015. Collection method: clinical testing. Allele origin: germline.
Comment: This variant is predicted to result in loss of function through nonsense-mediated decay of the encoded transcript or premature truncation of the encoded protein in a gene in which loss of function is a known mechanism of disease (ACMG/AMP: PVS1; PMIDs:24136930, 25099575, 31206626, 31841383). This variant has been reported at an elevated frequency in affected individuals/in multiple affected individuals in the literature (ACMG/AMP: PS4_Moderate; PMIDs:25452441, 29522266, 30128536). This variant is absent from or present at an exceedingly low frequency in gnomAD, a large-scale control population database (ACMG/AMP: PM2).

Labcorp Genetics (formerly Invitae), Labcorp
Classification: Pathogenic for Familial cancer of breast. Last evaluated: 2025-04-22. Review status: criteria provided, single submitter. Criteria: Invitae Variant Classification Sherloc (09022015). Collection method: clinical testing. Allele origin: germline.
Comment: This sequence change creates a premature translational stop signal (p.Cys824Leufs*2) in the PALB2 gene. It is expected to result in an absent or disrupted protein product. Loss-of-function variants in PALB2 are known to be pathogenic (PMID: 17200668, 17200671, 17200672, 24136930, 25099575). This variant is not present in population databases (gnomAD no frequency). This premature translational stop signal has been observed in individual(s) with breast cancer (PMID: 25452441). ClinVar contains an entry for this variant (Variation ID: 216121). For these reasons, this variant has been classified as Pathogenic.

Women's Health and Genetics/Laboratory Corporation of America, LabCorp
Classification: Pathogenic for Malignant tumor of breast. Last evaluated: 2025-02-04. Review status: criteria provided, single submitter. Criteria: LabCorp Variant Classification Summary - May 2015. Collection method: clinical testing. Allele origin: germline.
Comment: Variant summary: PALB2 c.2470dupT (p.Cys824LeufsX2) results in a premature termination codon, predicted to cause a truncation of the encoded protein or absence of the protein due to nonsense mediated decay, which are commonly known mechanisms for disease. The variant was absent in 251448 control chromosomes. c.2470dupT has been reported in the literature in individuals affected with Breast Cancer (example, Couch_2015). These data indicate that the variant may be associated with disease. To our knowledge, no experimental evidence demonstrating an impact on protein function has been reported. The following publication has been ascertained in the context of this evaluation (PMID: 25452441). ClinVar contains an entry for this variant (Variation ID: 216121). Based on the evidence outlined above, the variant was classified as pathogenic.

Color Diagnostics, LLC DBA Color Health
Classification: Pathogenic for Hereditary cancer-predisposing syndrome. Last evaluated: 2024-12-23. Review status: criteria provided, single submitter. Criteria: ACMG Guidelines, 2015. Collection method: clinical testing. Allele origin: germline.
Comment: This variant inserts 1 nucleotide in exon 5 of the PALB2 gene, creating a frameshift and premature translation stop signal. This variant is expected to result in an absent or non-functional protein product. This variant has been reported in four individuals affected with breast cancer (PMID: 25452441, 29522266, 30128536) and one individual who was unaffected with breast cancer (PMID: 30254378). This variant has not been identified in the general population by the Genome Aggregation Database (gnomAD). Loss of PALB2 function is a known mechanism of disease. Based on the available evidence, this variant is classified as Pathogenic.

CeGaT Center for Human Genetics Tuebingen
Classification: Pathogenic. Last evaluated: 2024-12-01. Review status: criteria provided, single submitter. Criteria: CeGaT Center For Human Genetics Tuebingen Variant Classification Criteria Version 2. Collection method: clinical testing. Allele origin: germline. Affected: yes. Observed: 1 variant allele.
Comment: PALB2: PVS1, PM2, PS4:Moderate

Ambry Genetics
Classification: Pathogenic for Hereditary cancer-predisposing syndrome. Last evaluated: 2024-08-23. Review status: criteria provided, single submitter. Criteria: Ambry Variant Classification Scheme 2023. Collection method: clinical testing. Allele origin: germline.
Comment: The c.2470dupT pathogenic mutation, located in coding exon 5 of the PALB2 gene, results from a duplication of T at nucleotide position 2470, causing a translational frameshift with a predicted alternate stop codon (p.C824Lfs*2). This mutation has been reported in multiple breast and/or ovarian cancer patients (Couch FJ et al. J Clin Oncol, 2015 Feb;33:304-11; Hauke J et al. Cancer Med, 2018 04;7:1349-1358; Lu HM et al. JAMA Oncol, 2019 01;5:51-57). This mutation was also detected in a cohort of healthy Australian women screened using an 11-gene custom sequencing panel (Rowley SM et al. Genet Med, 2019 04;21:913-922). This variant is considered to be rare based on population cohorts in the Genome Aggregation Database (gnomAD). In addition to the clinical data presented in the literature, this alteration is expected to result in loss of function by premature protein truncation or nonsense-mediated mRNA decay. As such, this alteration is interpreted as a disease-causing mutation.

Baylor Genetics
Classification: Pathogenic for Familial cancer of breast. Last evaluated: 2024-01-14. Review status: criteria provided, single submitter. Criteria: ACMG Guidelines, 2015. Collection method: clinical testing. Allele origin: unknown.

GeneDx
Classification: Pathogenic. Last evaluated: 2023-12-27. Review status: criteria provided, single submitter. Criteria: GeneDx Variant Classification Process June 2021. Collection method: clinical testing. Allele origin: germline.
Comment: Frameshift variant predicted to result in protein truncation or nonsense mediated decay in a gene for which loss-of-function is a known mechanism of disease; Not observed at significant frequency in large population cohorts (gnomAD); Truncating variants in this gene are considered pathogenic by a well-established clinical consortium and/or database; This variant is associated with the following publications: (PMID: 25452441, 30128536, 28888541)

Myriad Genetics, Inc.
Classification: Pathogenic for Familial cancer of breast. Last evaluated: 2023-09-12. Review status: criteria provided, single submitter. Criteria: Myriad Autosomal Dominant, Autosomal Recessive and X-Linked Classification Criteria (2023). Collection method: clinical testing. Allele origin: unknown.
Comment: This variant is considered pathogenic. This variant creates a frameshift predicted to result in premature protein truncation.

Institute of Human Genetics, University of Leipzig Medical Center
Classification: Pathogenic for Breast-ovarian cancer, familial, susceptibility to, 1. Last evaluated: 2023-02-08. Review status: criteria provided, single submitter. Criteria: ACMG Guidelines, 2015. Collection method: clinical testing. Allele origin: unknown. Affected: yes.
Comment: _x000D_ Criteria applied: PVS1, PS4_MOD, PM2_SUP

MGZ Medical Genetics Center
Classification: Pathogenic for Familial cancer of breast. Last evaluated: 2022-07-25. Review status: criteria provided, single submitter. Criteria: ACMG Guidelines, 2015. Collection method: clinical testing. Allele origin: germline. Affected: yes. Observed: 1 variant allele.
Comment: ACMG criteria applied: PVS1, PS4_SUP, PM2_SUP

Institute of Medical Genetics and Applied Genomics, University Hospital Tübingen
Classification: Pathogenic. Last evaluated: 2020-10-23. Review status: criteria provided, single submitter. Criteria: ACMG Guidelines, 2015. Collection method: clinical testing. Allele origin: germline. Inheritance: Unknown mechanism. Affected: yes.

Leiden Open Variation Database
Classification: Pathogenic for Familial cancer of breast. Last evaluated: 2019-05-13. Review status: no assertion criteria provided. Collection method: curation. Allele origin: germline. Affected: yes. Not counted in ClinVar's aggregate classification.
Comment: Curators: Marc Tischkowitz, Arleen D. Auerbach. Submitter to LOVD: Marc Tischkowitz.

Literature cited by the submitters: PubMed 24136930 (cited by Institute for Genomic Medicine (IGM) Clinical Laboratory, Nationwide Children's Hospital and Labcorp Genetics (formerly Invitae), Labcorp); PubMed 25099575 (cited by Institute for Genomic Medicine (IGM) Clinical Laboratory, Nationwide Children's Hospital and Labcorp Genetics (formerly Invitae), Labcorp); PubMed 31206626 (cited by Institute for Genomic Medicine (IGM) Clinical Laboratory, Nationwide Children's Hospital); PubMed 31841383 (cited by Institute for Genomic Medicine (IGM) Clinical Laboratory, Nationwide Children's Hospital); PubMed 25452441 (cited by 6 submitters); PubMed 29522266 (cited by 3 submitters); PubMed 30128536 (cited by 3 submitters); PubMed 17200668 (cited by Labcorp Genetics (formerly Invitae), Labcorp); PubMed 17200671 (cited by Labcorp Genetics (formerly Invitae), Labcorp); PubMed 17200672 (cited by Labcorp Genetics (formerly Invitae), Labcorp); PubMed 30254378 (cited by Color Diagnostics, LLC DBA Color Health and Ambry Genetics).